The following is an entry in ClinVar:

ClinVar aggregate classification (germline): other (0 of 4 stars; one submission).

Conditions:
Familial colorectal cancer. Identifiers: MedGen CN280943, MONDO:0023113. Disease mechanism: loss of function.

gnomAD v4.1: 22 of 337,340 alleles (0.0065%); highest among the groups gnomAD compares: Admixed American, 0.052%; no homozygotes.

Submission:

Systems Biology Platform Zhejiang California International NanoSystems Institute
Classification: other for Familial colorectal cancer. Review status: no assertion criteria provided. Collection method: not provided. Allele origin: unknown.
ClinVar note: Converted during submission from cancer to other.

NM_000038.6(APC):c.645+2923C>A

Gene: APC (APC regulator of WNT signaling pathway; plus strand). Cytogenetic location: 5q22.2.
Variant type: single nucleotide variant.
Coding change: c.645+2923C>A on transcript NM_000038.6 (MANE Select); 2923 bases into the intron after coding-DNA position 645, C replaced by A.
Molecular consequence: intron variant.
Genome position (GRCh38, 1-based): chr5:112,783,826, C>A. VCF-style: chr5-112783826-C-A. GRCh37 (hg19) VCF-style: chr5-112119523-C-A.
Other names: c.645+2923C>A (NM_001354895.2, NM_001127510.3, NM_001354896.2 and 2 more transcripts); c.675+2923C>A (NM_001354897.2, NM_001354902.2, NM_001127511.3); c.570+2923C>A (NM_001354898.2, NM_001354904.2); c.-391+2923C>A (NM_001354906.2); c.468+2923C>A (NM_001354900.2, NM_001354901.2, NM_001354905.2).
Identifiers: ClinVar variation 82955 (VCV000082955.2), dbSNP rs79285786, ClinGen allele CA011339.